The following is an entry in ClinVar:

NM_172107.4(KCNQ2):c.610del (p.Gln204fs)

Gene: KCNQ2 (potassium voltage-gated channel subfamily Q member 2; minus strand). Cytogenetic location: 20q13.33.
Variant type: Deletion.
Coding change: c.610del on transcript NM_172107.4 (MANE Select); coding-DNA position 610, one base deleted (C; older notation c.610delC).
Protein change: p.Gln204fs; shifts the reading frame from glutamine 204.
Molecular consequence: frameshift variant.
Genome position (GRCh38, 1-based): chr20:63,444,739, G deleted on the plus strand (C on the coding strand, the reverse complement: KCNQ2 is on the minus strand). VCF-style (leftmost placement, unchanged base first): chr20-63444738-TG-T. GRCh37 (hg19) VCF-style: chr20-62076091-TG-T.
Other names: c.610del, p.Gln204fs (NM_001382235.1, NM_004518.6, NM_172106.3 and 2 more transcripts); short protein forms Q204fs.
Identifiers: ClinVar variation 1351988 (VCV001351988.7), dbSNP rs2145775420, ClinGen allele CA2573157300.

ClinVar aggregate classification (germline): Pathogenic (1 of 4 stars; one submission).

Conditions:
Early-infantile DEE. Also called: Early infantile epileptic encephalopathy; Early infantile epileptic encephalopathy with suppression bursts; Ohtahara syndrome. Identifiers: Orphanet 1934, MedGen C0393706, MONDO:0800491.

Submission:

Labcorp Genetics (formerly Invitae), Labcorp
Classification: Pathogenic for Early-infantile DEE. Last evaluated: 2021-02-08. Review status: criteria provided, single submitter. Criteria: Invitae Variant Classification Sherloc (09022015). Collection method: clinical testing. Allele origin: germline.
Comment: For these reasons, this variant has been classified as Pathogenic. This variant has not been reported in the literature in individuals with KCNQ2-related conditions. This variant is not present in population databases (ExAC no frequency). This sequence change creates a premature translational stop signal (p.Gln204Argfs*5) in the KCNQ2 gene. It is expected to result in an absent or disrupted protein product. Loss-of-function variants in KCNQ2 are known to be pathogenic (PMID: 14534157, 23692823, 27779742).

Literature cited by the submitters: PubMed 14534157; PubMed 23692823; PubMed 27779742.